The following is an entry in ClinVar:

ClinVar aggregate classification (germline): Uncertain significance (1 of 4 stars; one submission).

Conditions:
Anterior segment dysgenesis. Also called: Ocular anterior segment dysgenesis. Identifiers: Orphanet 88632, MedGen C1862839, MONDO:0019503, HP:0007700.
Congenital primary aphakia. Also called: Anterior segment dysgenesis 2, multiple subtypes; ANTERIOR SEGMENT DYSGENESIS 2. Identifiers: Orphanet 83461, MedGen C1853230, MONDO:0012456, OMIM 610256.

Allele frequency attached by ClinVar (database versions not stated): TOPMed below 0.00001.

Submission:

Labcorp Genetics (formerly Invitae), Labcorp
Classification: Uncertain significance for Anterior segment dysgenesis; Congenital primary aphakia. Last evaluated: 2023-01-03. Review status: criteria provided, single submitter. Criteria: Invitae Variant Classification Sherloc (09022015). Collection method: clinical testing. Allele origin: germline.
Comment: In summary, the available evidence is currently insufficient to determine the role of this variant in disease. Therefore, it has been classified as a Variant of Uncertain Significance. Advanced modeling of protein sequence and biophysical properties (such as structural, functional, and spatial information, amino acid conservation, physicochemical variation, residue mobility, and thermodynamic stability) performed at Invitae indicates that this missense variant is not expected to disrupt FOXE3 protein function. This variant has not been reported in the literature in individuals affected with FOXE3-related conditions. This variant is not present in population databases (gnomAD no frequency). This sequence change replaces proline, which is neutral and non-polar, with leucine, which is neutral and non-polar, at codon 190 of the FOXE3 protein (p.Pro190Leu).

NM_012186.3(FOXE3):c.569C>T (p.Pro190Leu)

Genes: FOXE3 (forkhead box E3; plus strand), LINC01389 (long independently transcribed non-coding RNA 1389; minus strand). Cytogenetic location: 1p33.
Variant type: single nucleotide variant.
Coding change: c.569C>T on transcript NM_012186.3 (MANE Select); coding-DNA position 569, C replaced by T.
Protein change: p.Pro190Leu; replaces proline 190 with leucine.
Molecular consequence: missense variant.
Genome position (GRCh38, 1-based): chr1:47,416,884, C>T. VCF-style: chr1-47416884-C-T. GRCh37 (hg19) VCF-style: chr1-47882556-C-T.
Other names: short protein forms P190L.
Identifiers: ClinVar variation 2940287 (VCV002940287.3), dbSNP rs1051577095, ClinGen allele CA22069117.
Genomic context (GRCh38, chr1:47,416,884, plus strand): 5'-CCGAGCTGCCCGCGCACGCGGCCGCGGCGCCAGGGCCGCCGCTCCCCTTCCCCTACGCGC[C>T]CTACGCGCCCGCGCCCGGCCCCGCGCTGCTGGTGCCGCCGCCTTCTGCCGGACCGGGCCC-3'
Protein context (NP_036318.1, residues 180-200): PGPPLPFPYA[Pro190Leu]YAPAPGPALL